The following is an entry in ClinVar:

ClinVar aggregate classification (germline): Pathogenic/Likely pathogenic. Review status: criteria provided, multiple submitters, no conflicts (2 of 4 stars). 2 submissions from 2 submitters: Pathogenic (1); Likely pathogenic (1). Last evaluated 2025-12-15.

Conditions:
Gastrointestinal defect and immunodeficiency syndrome. Also called: Gastrointestinal defects and immunodeficiency syndrome. Identifiers: MedGen C5234880, MONDO:0030831.
Multiple gastrointestinal atresias. Also called: FAMILIAL INTESTINAL POLYATRESIA SYNDROME; Multiple intestinal atresia. Identifiers: Orphanet 2300, MedGen C0220744, MONDO:0009465.

Submissions (2):

Labcorp Genetics (formerly Invitae), Labcorp
Classification: Pathogenic for Multiple gastrointestinal atresias. Last evaluated: 2025-12-15. Review status: criteria provided, single submitter. Criteria: Invitae Variant Classification Sherloc (09022015). Collection method: clinical testing. Allele origin: germline.
Comment: This sequence change creates a premature translational stop signal (p.Val441Glufs*57) in the TTC7A gene. It is expected to result in an absent or disrupted protein product. Loss-of-function variants in TTC7A are known to be pathogenic (PMID: 23830146, 24292712). This variant is present in population databases (rs762466884, gnomAD 0.005%). This variant has not been reported in the literature in individuals affected with TTC7A-related conditions. For these reasons, this variant has been classified as Pathogenic.

Women's Health and Genetics/Laboratory Corporation of America, LabCorp
Classification: Likely pathogenic for Gastrointestinal defect and immunodeficiency syndrome. Last evaluated: 2023-02-02. Review status: criteria provided, single submitter. Criteria: LabCorp Variant Classification Summary - May 2015. Collection method: clinical testing. Allele origin: germline.
Comment: Variant summary: TTC7A c.1322_1323delTG (p.Val441GlufsX57) results in a premature termination codon, predicted to cause a truncation of the encoded protein or absence of the protein due to nonsense mediated decay, which are commonly known mechanisms for disease. Truncations downstream of this position have been classified as pathogenic in ClinVar and are associated with multiple intestinal atresia in HGMD. The variant allele was found at a frequency of 2e-05 in 250454 control chromosomes. The available data on variant occurrences in the general population are insufficient to allow any conclusion about variant significance. To our knowledge, no occurrence of c.1322_1323delTG in individuals affected with Gastrointestinal Defects And Immunodeficiency Syndrome and no experimental evidence demonstrating its impact on protein function have been reported. One clinical diagnostic laboratory has submitted clinical-significance assessments for this variant to ClinVar after 2014 and classified the variant as pathogenic. Based on the evidence outlined above, the variant was classified as likely pathogenic.

Literature cited by the submitters: PubMed 23830146 (cited by Labcorp Genetics (formerly Invitae), Labcorp); PubMed 24292712 (cited by Labcorp Genetics (formerly Invitae), Labcorp).

NM_020458.4(TTC7A):c.1322_1323del (p.Val441fs)

Gene: TTC7A (tetratricopeptide repeat domain 7A; plus strand). Cytogenetic location: 2p21.
Variant type: Microsatellite.
Coding change: c.1322_1323del on transcript NM_020458.4 (MANE Select); coding-DNA positions 1322 to 1323, 2 bases deleted (TG; older notation c.1322_1323delTG).
Protein change: p.Val441fs; shifts the reading frame from valine 441.
Molecular consequence: frameshift variant.
Genome position (GRCh38, 1-based): chr2:47,011,365-47,011,366, TG deleted; deleting any 2 consecutive bases within chr2:47,011,360-47,011,366 gives the same sequence; the c. name uses the placement nearest the transcript's 3' end. VCF-style (leftmost placement, unchanged base first): chr2-47011359-AGT-A. GRCh37 (hg19) VCF-style: chr2-47238498-AGT-A.
Other names: c.1322_1323del, p.Val441fs (NM_001288951.2); c.1220_1221del, p.Val407fs (NM_001288953.2); c.260_261del, p.Val87fs (NM_001288955.2); c.1322_1323delTG (NM_020458.3); short protein forms V407fs, V87fs, V441fs.
Identifiers: ClinVar variation 1437718 (VCV001437718.6), dbSNP rs762466884, ClinGen allele CA1647613.